The following is an entry in ClinVar:

NC_000004.11:g.(?_17488754)_(17513677_?)del

Gene: QDPR (quinoid dihydropteridine reductase; minus strand). Cytogenetic location: 4p15.32.
Variant type: Deletion.
Identifiers: ClinVar variation 1459007 (VCV001459007.5).

ClinVar aggregate classification (germline): Pathogenic (1 of 4 stars; one submission).

Conditions:
Dihydropteridine reductase deficiency (HPABH4C). Also called: DHPR DEFICIENCY; BH4-Deficient Hyperphenylalaninemia C; Hyperphenylalaninemia due to dihydropteridine reductase deficiency; Hyperphenylalaninemia, BH-4-deficient, C; Phenylketonuria type 2; HYPERPHENYLALANINEMIA, TETRAHYDROBIOPTERIN-DEFICIENT, DUE TO DHPR DEFICIENCY. Identifiers: Orphanet 226, Orphanet 238583, MedGen C0268465, MONDO:0009862, OMIM 261630.

Submission:

Labcorp Genetics (formerly Invitae), Labcorp
Classification: Pathogenic for Dihydropteridine reductase deficiency. Last evaluated: 2023-11-18. Review status: criteria provided, single submitter. Criteria: Invitae Variant Classification Sherloc (09022015). Collection method: clinical testing. Allele origin: germline.
Comment: A gross deletion of the genomic region encompassing the full coding sequence of the QDPR gene has been identified. Loss-of-function variants in QDPR are known to be pathogenic (PMID: 7627180, 11153907). The boundaries of this event are unknown as they extend beyond the assayed region for this gene and therefore may encompass additional genes. This variant has not been reported in the literature in individuals affected with QDPR-related conditions. For these reasons, this variant has been classified as Pathogenic.

Literature cited by the submitters: PubMed 7627180; PubMed 11153907.